The following is an entry in ClinVar:

ClinVar aggregate classification (germline): Uncertain significance (1 of 4 stars; one submission).

gnomAD v4.1: 3 of 1,614,096 alleles (0.00019%); highest among the groups gnomAD compares: Admixed American, 0.0033%; no homozygotes.

Submission:

Ambry Genetics
Classification: Uncertain significance. Last evaluated: 2024-06-22. Review status: criteria provided, single submitter. Criteria: Ambry Variant Classification Scheme 2023. Collection method: clinical testing. Allele origin: germline.
Comment: The p.D307V variant (also known as c.920A>T), located in coding exon 3 of the ALPK2 gene, results from an A to T substitution at nucleotide position 920. The aspartic acid at codon 307 is replaced by valine, an amino acid with highly dissimilar properties. This amino acid position is conserved. In addition, this alteration is predicted to be tolerated by in silico analysis. Based on the available evidence, the clinical significance of this variant remains unclear.

NM_052947.4(ALPK2):c.920A>T (p.Asp307Val)

Genes: ALPK2 (alpha kinase 2; minus strand), LOC114803473 (ALPK2 eExon liver enhancer; plus strand). Cytogenetic location: 18q21.31.
Variant type: single nucleotide variant.
Coding change: c.920A>T on transcript NM_052947.4 (MANE Select); coding-DNA position 920, A replaced by T.
Protein change: p.Asp307Val; replaces aspartic acid 307 with valine.
Molecular consequence: missense variant.
Genome position (GRCh38, 1-based): chr18:58,579,856, T>A on the plus strand (A>T on the coding strand, the complement: ALPK2 is on the minus strand). VCF-style: chr18-58579856-T-A. GRCh37 (hg19) VCF-style: chr18-56247088-T-A.
Other names: short protein forms D307V.
Identifiers: ClinVar variation 3289233 (VCV003289233.1).
Genomic context (GRCh38, chr18:58,579,856, plus strand): 5'-AGGTCATCATCTGAAAACTCCTCGGTGTAGGTTAGGGTTATCTCTGGGCAAAGTTCATAG[T>A]CACTGTCAGAGTCTTCACTGGAAAGCTGTGGGCTGGGTTGTTTGTTGGCCACGGCACTGT-3'
Protein context (NP_443179.3, residues 297-317): PQLSSEDSDS[Asp307Val]YELCPEITLT